The following is an entry in ClinVar:

NM_001482.3(GATM):c.170C>A (p.Thr57Asn)

Gene: GATM (glycine amidinotransferase; minus strand). Cytogenetic location: 15q21.1.
Variant type: single nucleotide variant.
Coding change: c.170C>A on transcript NM_001482.3 (MANE Select); coding-DNA position 170, C replaced by A.
Protein change: p.Thr57Asn; replaces threonine 57 with asparagine.
Molecular consequence: missense variant. On other transcripts: 5 prime UTR variant (1).
Genome position (GRCh38, 1-based): chr15:45,376,719, G>T on the plus strand (C>A on the coding strand, the complement: GATM is on the minus strand). VCF-style: chr15-45376719-G-T. GRCh37 (hg19) VCF-style: chr15-45668917-G-T.
Other names: c.-218C>A (NM_001321015.2); short protein forms T57N.
Identifiers: ClinVar variation 3616038 (VCV003616038.2).

ClinVar aggregate classification (germline): Uncertain significance (1 of 4 stars; one submission).

Conditions:
Arginine:glycine amidinotransferase deficiency (CCDS3). Also called: Creatine deficiency syndrome due to AGAT deficiency; GATM deficiency; AGAT deficiency; L-Arginine:Glycine Amidinotransferase Deficiency; L-Arginine:Glycine Amidinotransferase (AGAT) Deficiency; Cerebral creatine deficiency syndrome 3. Identifiers: Orphanet 35704, MedGen C2675179, MONDO:0012996, OMIM 612718.

gnomAD v4.1: 5 of 1,614,236 alleles (0.00031%); highest among the groups gnomAD compares: Admixed American, 0.0083%; no homozygotes.

Submission:

Labcorp Genetics (formerly Invitae), Labcorp
Classification: Uncertain significance for Arginine:glycine amidinotransferase deficiency. Last evaluated: 2025-08-21. Review status: criteria provided, single submitter. Criteria: Invitae Variant Classification Sherloc (09022015). Collection method: clinical testing. Allele origin: germline.
Comment: This sequence change replaces threonine, which is neutral and polar, with asparagine, which is neutral and polar, at codon 57 of the GATM protein (p.Thr57Asn). This variant is present in population databases (rs766850648, gnomAD 0.01%). This variant has not been reported in the literature in individuals affected with GATM-related conditions. ClinVar contains an entry for this variant (Variation ID: 3616038). Invitae Evidence Modeling of protein sequence and biophysical properties (such as structural, functional, and spatial information, amino acid conservation, physicochemical variation, residue mobility, and thermodynamic stability) indicates that this missense variant is not expected to disrupt GATM protein function with a negative predictive value of 95%. In summary, the available evidence is currently insufficient to determine the role of this variant in disease. Therefore, it has been classified as a Variant of Uncertain Significance.